The following is an entry in ClinVar:

ClinVar aggregate classification (germline): Pathogenic/Likely pathogenic. Review status: criteria provided, multiple submitters, no conflicts (2 of 4 stars). 9 submissions from 9 submitters: Pathogenic (6); Likely pathogenic (3). Last evaluated 2026-07-29.

Conditions:
ECHS1-related disorder. Also called: ECHS1-related condition.
Mitochondrial short-chain Enoyl-Coa hydratase 1 deficiency. Also called: Mitochondrial Short-Chain Enoyl-CoA Hydratase Deficiency; PxMD-ECHS1; ECHS1 deficiency. Identifiers: Orphanet 255241, Orphanet 653880, MedGen C4225391, MONDO:0014563, OMIM 616277.
ECHS1-related disorders.
Inborn genetic diseases. Identifiers: MedGen C0950123, MeSH D030342.

Allele frequency attached by ClinVar (database versions not stated): ExAC 0.00002; gnomAD 0.00002; gnomAD exomes 0.00002 and 0.00003; TOPMed 0.00003.
gnomAD v4.1: 45 of 1,614,022 alleles (0.0028%); highest among the groups gnomAD compares: Admixed American, 0.0083%; no homozygotes.

Submissions (9):

PreventionGenetics, part of Exact Sciences
Classification: Pathogenic for ECHS1-related condition. Last evaluated: 2026-07-29. Review status: criteria provided, single submitter. Criteria: ACMG Guidelines, 2015. Collection method: clinical testing. Allele origin: germline.
Comment: The ECHS1 c.817A>G variant is predicted to result in the amino acid substitution p.Lys273Glu. This variant has been reported in the homozygous or compound heterozygous state in individuals with short-chain enoyl-CoA hydratase deficiency and segregated with disease in affected relatives (see, for example: Ferdinandusse et al. 2015. PubMed ID: 26081110; Mahajan et al. 2017. PubMed ID: 28039521; Muntean et al. 2022. PubMed ID: 35206276). This variant has been shown to markedly reduce SCEH enzymatic activity and protein level in patient fibroblasts (Ferdinandusse et al. 2015. PubMed ID: 26081110; Illsinger et al. 2020. PubMed ID: 32858208). This variant is reported in 0.011% of alleles in individuals of Latino descent in gnomAD. This variant is interpreted as pathogenic.

Institute of Human Genetics, University of Leipzig Medical Center
Classification: Pathogenic for Mitochondrial short-chain Enoyl-Coa hydratase 1 deficiency. Last evaluated: 2026-02-25. Review status: criteria provided, single submitter. Criteria: ACMG Guidelines, 2015. Collection method: clinical testing. Allele origin: paternal. Inheritance: Autosomal recessive inheritance. Affected: yes.
Comment: Criteria applied: PM2,PM3_VSTR

Variantyx, Inc.
Classification: Likely pathogenic for Mitochondrial short-chain Enoyl-Coa hydratase 1 deficiency. Last evaluated: 2025-09-16. Review status: criteria provided, single submitter. Criteria: Variantyx Assertion Criteria 2022. Collection method: clinical testing. Allele origin: germline. Inheritance: Autosomal recessive inheritance. Affected: no.
Comment: This is a nonsynonymous variant in the ECHS1 gene (OMIM: 602292). Pathogenic variants in this gene have been associated with autosomal recessive mitochondrial short-chain enoyl-CoA hydratase 1 deficiency. This variant has been identified in the homozygous or compound heterozygous state in at least 5 individuals reported in the published literature (PMID: 28039521, 32858208, 26081110, 32677093, 26000322, 34611884) (PM3_Strong). Functional studies have shown that this variant alters ECHS1 protein function (PMID: 32858208, 26081110) (PS3_Moderate) and multiple computational algorithms predict no functional impact for this variant (REVEL score: 0.094) (BP4_Moderate). This variant has a 0.0083% maximum allele frequency in non-founder control populations (PM2). Based on the current evidence, this variant is classified as likely pathogenic for autosomal recessive mitochondrial short-chain enoyl-CoA hydratase 1 deficiency.

Labcorp Genetics (formerly Invitae), Labcorp
Classification: Pathogenic. Last evaluated: 2025-09-07. Review status: criteria provided, single submitter. Criteria: Invitae Variant Classification Sherloc (09022015). Collection method: clinical testing. Allele origin: germline.
Comment: This sequence change replaces lysine, which is basic and polar, with glutamic acid, which is acidic and polar, at codon 273 of the ECHS1 protein (p.Lys273Glu). This variant is present in population databases (rs565090080, gnomAD 0.01%). This missense change has been observed in individuals with ECHS1-related conditions (PMID: 26000322, 26081110, 28039521, 32677093, 32858208). It has also been observed to segregate with disease in related individuals. ClinVar contains an entry for this variant (Variation ID: 372596). Invitae Evidence Modeling of protein sequence and biophysical properties (such as structural, functional, and spatial information, amino acid conservation, physicochemical variation, residue mobility, and thermodynamic stability) indicates that this missense variant is not expected to disrupt ECHS1 protein function with a negative predictive value of 80%. Studies have shown that this missense change alters ECHS1 gene expression (PMID: 26081110). For these reasons, this variant has been classified as Pathogenic.

GeneDx
Classification: Pathogenic. Last evaluated: 2025-03-06. Review status: criteria provided, single submitter. Criteria: GeneDx Variant Classification Process June 2021. Collection method: clinical testing. Allele origin: germline. Affected: yes.
Comment: Not observed at significant frequency in large population cohorts (gnomAD); In silico analysis supports that this missense variant has a deleterious effect on protein structure/function; This variant is associated with the following publications: (PMID: 28202214, 26081110, 26920905, 27221955, 29882869, 28039521, 32013919, 32858208, 26000322, 32677093, 34611884, 38820906)

Blueprint Genetics
Classification: Pathogenic for ECHS1-related disorders. Last evaluated: 2024-09-05. Review status: criteria provided, single submitter. Criteria: ACMG Guidelines, 2015. Collection method: clinical testing. Allele origin: germline. Affected: yes. Observed: 3 variant alleles.

3billion
Classification: Likely pathogenic for Mitochondrial short-chain Enoyl-Coa hydratase 1 deficiency. Last evaluated: 2023-11-14. Review status: criteria provided, single submitter. Criteria: ACMG Guidelines, 2015. Collection method: clinical testing. Allele origin: germline. Affected: yes.
Comment: The variant is observed at an extremely low frequency in the gnomAD v2.1.1 dataset (total allele frequency: 0.002%). Predicted Consequence/Location: Missense changes are a common disease-causing mechanism. In silico tool predictions suggest damaging effect of the variant on gene or gene product [3Cnet: 0.95 (>=0.6, sensitivity 0.72 and precision 0.9)]. Same nucleotide change resulting in same amino acid change has been previously reported as pathogenic/likely pathogenic with strong evidence (ClinVar ID: VCV000372596 /PMID: 26081110). Therefore, this variant is classified as Likely pathogenic according to the recommendation of ACMG/AMP guideline.

Institute of Human Genetics Munich, TUM University Hospital
Classification: Pathogenic for Mitochondrial short-chain Enoyl-Coa hydratase 1 deficiency. Last evaluated: 2017-11-16. Review status: criteria provided, single submitter. Criteria: Classification criteria August 2017. Collection method: clinical testing. Allele origin: maternal. Inheritance: Autosomal recessive inheritance. Affected: yes. Observed: 1 compound heterozygote.

Ambry Genetics
Classification: Likely pathogenic for Inborn genetic diseases. Last evaluated: 2016-03-24. Review status: criteria provided, single submitter. Criteria: Ambry exome assertion method (8-5-2015). Collection method: clinical testing. Allele origin: germline. Affected: yes. Observed: 1 variant allele.

Literature cited by the submitters: PubMed 32858208 (cited by Variantyx, Inc. and Labcorp Genetics (formerly Invitae), Labcorp); PubMed 26081110 (cited by 3 submitters); PubMed 28039521 (cited by Variantyx, Inc. and Labcorp Genetics (formerly Invitae), Labcorp); PubMed 32677093 (cited by Variantyx, Inc. and Labcorp Genetics (formerly Invitae), Labcorp); PubMed 26000322 (cited by Variantyx, Inc. and Labcorp Genetics (formerly Invitae), Labcorp); PubMed 34611884 (cited by Variantyx, Inc.).

NM_004092.4(ECHS1):c.817A>G (p.Lys273Glu)

Gene: ECHS1 (enoyl-CoA hydratase, short chain 1; minus strand). Cytogenetic location: 10q26.3.
Variant type: single nucleotide variant.
Coding change: c.817A>G on transcript NM_004092.4 (MANE Select); coding-DNA position 817, A replaced by G.
Protein change: p.Lys273Glu; replaces lysine 273 with glutamic acid.
Molecular consequence: missense variant.
Genome position (GRCh38, 1-based): chr10:133,362,924, T>C on the plus strand (A>G on the coding strand, the complement: ECHS1 is on the minus strand). VCF-style: chr10-133362924-T-C. GRCh37 (hg19) VCF-style: chr10-135176428-T-C.
Other names: short protein forms K273E.
Identifiers: ClinVar variation 372596 (VCV000372596.19), dbSNP rs565090080, ClinGen allele CA5765624.
Genomic context (GRCh38, chr10:133,362,924, plus strand): 5'-GTTCTCACTGGTCTTTGAAGTTGGCCTTTCTCTTTTCCACAAACGCGGTCATCCCTTCTT[T>C]CCGGTCATCCTGGCAGGAAAAGGAACAGAAACAGAGCTGGACGCGCAGTATCCTCACAGA-3'
Protein context (NP_004083.3, residues 263-283): FYSTFATDDR[Lys273Glu]EGMTAFVEKR